The following is an entry in ClinVar:

ClinVar aggregate classification (germline): Pathogenic (1 of 4 stars; one submission).

Submission:

Labcorp Genetics (formerly Invitae), Labcorp
Classification: Pathogenic. Last evaluated: 2023-06-14. Review status: criteria provided, single submitter. Criteria: Invitae Variant Classification Sherloc (09022015). Collection method: clinical testing. Allele origin: germline.
Comment: This variant is not present in population databases (gnomAD no frequency). This sequence change creates a premature translational stop signal (p.Asp3649Glyfs*9) in the ADGRV1 gene. It is expected to result in an absent or disrupted protein product. Loss-of-function variants in ADGRV1 are known to be pathogenic (PMID: 19357117, 22135276, 22147658, 26226137, 30718709, 31047384, 32467589). This variant has not been reported in the literature in individuals affected with ADGRV1-related conditions. For these reasons, this variant has been classified as Pathogenic.

Literature cited by the submitters: PubMed 19357117; PubMed 22135276; PubMed 22147658; PubMed 26226137; PubMed 30718709; PubMed 31047384; PubMed 32467589.

NM_032119.4(ADGRV1):c.10946_10962del (p.Asp3649fs)

Gene: ADGRV1 (adhesion G protein-coupled receptor V1; plus strand). Cytogenetic location: 5q14.3.
Variant type: Deletion.
Coding change: c.10946_10962del on transcript NM_032119.4 (MANE Select); coding-DNA positions 10946 to 10962, 17 bases deleted (ATGCCTATGGAATTGTT).
Protein change: p.Asp3649fs; shifts the reading frame from aspartic acid 3649.
Molecular consequence: frameshift variant. On other transcripts: non-coding transcript variant (1).
Genome position (GRCh38, 1-based): chr5:90,745,767-90,745,783, ATGCCTATGGAATTGTT deleted. VCF-style (leftmost placement, unchanged base first): chr5-90745766-GATGCCTATGGAATTGTT-G. GRCh37 (hg19) VCF-style: chr5-90041583-GATGCCTATGGAATTGTT-G.
Other names: short protein forms D3649fs.
Identifiers: ClinVar variation 2714056 (VCV002714056.3), dbSNP rs2531547976, ClinGen allele CA2697546242.
Genomic context (GRCh38, chr5:90,745,766, plus strand): 5'-AAAGGAGGAGCAGAGATTGGCATTAATGATTCTGTAACAATAACCATTCTGTCTAATGAT[GATGCCTATGGAATTGTT>G]GCATTTGCTCAGGTAATGATACTGAAGACCCCACACTTGCAATGCAAAATGTTTTATTTA-3'